The following is an entry in ClinVar:

ClinVar aggregate classification (germline): Conflicting classifications of pathogenicity. Review status: criteria provided, conflicting classifications (1 of 4 stars). 2 submissions from 2 submitters: Likely pathogenic (1); Uncertain significance (1). Last evaluated 2026-01-12.

Conditions:
GRIN2B-related disorder. Also called: GRIN2B-related condition.
Intellectual developmental disorder, autosomal dominant 6, with or without seizures. Also called: Intellectual disability, autosomal dominant 6; GRIN2B-related developmental delay, intellectual disability and autism spectrum disorder. Identifiers: Orphanet 589547, MedGen C3151411, MONDO:0013509, OMIM 613970.

Submissions (2):

3billion
Classification: Uncertain significance for GRIN2B-related disorder. Last evaluated: 2026-01-12. Review status: criteria provided, single submitter. Criteria: ACMG Guidelines, 2015. Collection method: clinical testing. Allele origin: germline. Affected: yes.
Comment: The variant is not observed in the gnomAD v4.1.0 dataset. Predicted Consequence/Location: Missense variant In silico tool predictions suggest damaging effect of the variant on gene or gene product [3Cnet: 0.99 (> 0.75, sensitivity 0.96 and precision 0.92)]. The same nucleotide change resulting in the same amino acid change has been previously reported to be associated with GRIN2B-related disorder (ClinVar ID: VCV000802825).A different missense change at the same codon (p.His486Tyr) has been reported to be associated with GRIN2B-related disorder (ClinVar ID: VCV001179704). However the evidence of pathogenicity is insufficient at this time. Therefore, this variant is classified as VUS according to the recommendation of ACMG/AMP guideline.

Mendelics
Classification: Likely pathogenic for Intellectual developmental disorder, autosomal dominant 6, with or without seizures. Last evaluated: 2019-05-28. Review status: criteria provided, single submitter. Criteria: Mendelics Assertion Criteria 2017. Collection method: clinical testing. Allele origin: unknown.

NM_000834.5(GRIN2B):c.1458T>A (p.His486Gln)

Gene: GRIN2B (glutamate ionotropic receptor NMDA type subunit 2B; minus strand). Cytogenetic location: 12p13.1.
Variant type: single nucleotide variant.
Coding change: c.1458T>A on transcript NM_000834.5 (MANE Select); coding-DNA position 1458, T replaced by A.
Protein change: p.His486Gln; replaces histidine 486 with glutamine.
Molecular consequence: missense variant.
Genome position (GRCh38, 1-based): chr12:13,615,535, A>T on the plus strand (T>A on the coding strand, the complement: GRIN2B is on the minus strand). VCF-style: chr12-13615535-A-T. GRCh37 (hg19) VCF-style: chr12-13768469-A-T.
Other names: short protein forms H486Q.
Identifiers: ClinVar variation 802825 (VCV000802825.2), dbSNP rs763436882, ClinGen allele CA384052124.